The following is an entry in ClinVar:

ClinVar aggregate classification (germline): Pathogenic (1 of 4 stars; one submission).

Submission:

Labcorp Genetics (formerly Invitae), Labcorp
Classification: Pathogenic. Last evaluated: 2022-07-02. Review status: criteria provided, single submitter. Criteria: Invitae Variant Classification Sherloc (09022015). Collection method: clinical testing. Allele origin: germline.
Comment: For these reasons, this variant has been classified as Pathogenic. This variant has not been reported in the literature in individuals affected with ALOXE3-related conditions. This sequence change creates a premature translational stop signal (p.Gly528Alafs*47) in the ALOXE3 gene. It is expected to result in an absent or disrupted protein product. Loss-of-function variants in ALOXE3 are known to be pathogenic (PMID: 11773004, 19890349, 27025581). This variant is not present in population databases (gnomAD no frequency).

Literature cited by the submitters: PubMed 11773004; PubMed 19890349; PubMed 27025581.

NM_021628.3(ALOXE3):c.1583del (p.Gly528fs)

Gene: ALOXE3 (arachidonate epidermal lipoxygenase 3; minus strand). Cytogenetic location: 17p13.1.
Variant type: Deletion.
Coding change: c.1583del on transcript NM_021628.3 (MANE Select); coding-DNA position 1583, one base deleted (G; older notation c.1583delG).
Protein change: p.Gly528fs; shifts the reading frame from glycine 528.
Molecular consequence: frameshift variant.
Genome position (GRCh38, 1-based): chr17:8,108,569, C deleted on the plus strand (G on the coding strand, the reverse complement: ALOXE3 is on the minus strand); the first of 3 consecutive C bases (chr17:8,108,569-8,108,571); deleting any one gives the same sequence. VCF-style (leftmost placement, unchanged base first): chr17-8108568-GC-G. GRCh37 (hg19) VCF-style: chr17-8011886-GC-G.
Other names: c.1979del, p.Gly660fs (NM_001165960.1); c.1580del, p.Gly527fs (NM_001369446.1); short protein forms G527fs, G528fs, G660fs.
Identifiers: ClinVar variation 2116533 (VCV002116533.4), dbSNP rs2507765273, ClinGen allele CA2580094897.
Genomic context (GRCh38, chr17:8,108,568, plus strand): 5'-GCCAGTCCAGGCCTGCAGCTCCGAATCCTGCTGCACAGATGCGTCACTGGGATAATAGTA[GC>G]CCACGATTTCTGAGACAAAGCTGCAGGAAAGAGATGCTGGTACCACTGGAGTAACCACGG-3'